The following is an entry in ClinVar:

ClinVar aggregate classification (germline): Conflicting classifications of pathogenicity. Review status: criteria provided, conflicting classifications (1 of 4 stars). 5 submissions from 3 submitters: Uncertain significance (1); Benign (2); Likely benign (2). Last evaluated 2026-01-25.

Conditions:
Hereditary spherocytosis type 4. Also called: SLC4A1-Related Spherocytosis. Identifiers: Orphanet 822, MedGen C2675212, MONDO:0012981, OMIM 612653.
Autosomal dominant distal renal tubular acidosis (DRTA1). Also called: RTA, CLASSIC TYPE; RTA, DISTAL TYPE, AUTOSOMAL DOMINANT; RTA, GRADIENT TYPE; Renal Tubular Acidosis, Type I; RENAL TUBULAR ACIDOSIS, DISTAL, 1. Identifiers: Orphanet 93608, MedGen CN280572, MONDO:0008368, OMIM 179800.
Hemolytic anemia. Identifiers: MedGen C0002878, MONDO:0003664, HP:0001878.

Allele frequency attached by ClinVar (database versions not stated): TOPMed 0.00001; ExAC 0.00052; gnomAD exomes 0.00054; 1000 Genomes Project 30x 0.00125; 1000 Genomes Project 0.00140.
gnomAD v4.1: 445 of 1,614,100 alleles (0.028%); highest among the groups gnomAD compares: South Asian, 0.47%; 3 homozygotes.

Submissions (5):

Labcorp Genetics (formerly Invitae), Labcorp
Classification: Benign. Last evaluated: 2026-01-25. Review status: criteria provided, single submitter. Criteria: Invitae Variant Classification Sherloc (09022015). Collection method: clinical testing. Allele origin: germline.

Mayo Clinic Laboratories, Mayo Clinic
Classification: Uncertain significance. Last evaluated: 2019-09-26. Review status: criteria provided, single submitter. Criteria: ACMG Guidelines, 2015. Collection method: clinical testing. Allele origin: germline. Observed: 1 variant allele.

Illumina Laboratory Services, Illumina
Classification: Likely benign for Hereditary spherocytosis type 4. Last evaluated: 2018-01-12. Review status: criteria provided, single submitter. Criteria: ICSL Variant Classification Criteria 13 December 2019. Collection method: clinical testing. Allele origin: germline.
Comment: This variant was observed in the ICSL laboratory as part of a predisposition screen in an ostensibly healthy population. It had not been previously curated by ICSL or reported in the Human Gene Mutation Database (HGMD: prior to June 1st, 2018), and was therefore a candidate for classification through an automated scoring system. Utilizing variant allele frequency, disease prevalence and penetrance estimates, and inheritance mode, an automated score was calculated to assess if this variant is too frequent to cause the disease. Based on the score and internal cut-off values, a variant classified as likely benign is not then subjected to further curation. The score for this variant resulted in a classification of likely benign for this disease.

Illumina Laboratory Services, Illumina
Classification: Likely benign for Hemolytic anemia. Last evaluated: 2018-01-12. Review status: criteria provided, single submitter. Criteria: ICSL Variant Classification Criteria 13 December 2019. Collection method: clinical testing. Allele origin: germline.
Comment: the same text as in the submission from Illumina Laboratory Services, Illumina above.

Illumina Laboratory Services, Illumina
Classification: Benign for Autosomal dominant distal renal tubular acidosis. Last evaluated: 2018-01-12. Review status: criteria provided, single submitter. Criteria: ICSL Variant Classification Criteria 13 December 2019. Collection method: clinical testing. Allele origin: germline.
Comment: This variant was observed in the ICSL laboratory as part of a predisposition screen in an ostensibly healthy population. It had not been previously curated by ICSL or reported in the Human Gene Mutation Database (HGMD: prior to June 1st, 2018), and was therefore a candidate for classification through an automated scoring system. Utilizing variant allele frequency, disease prevalence and penetrance estimates, and inheritance mode, an automated score was calculated to assess if this variant is too frequent to cause the disease. Based on the score and internal cut-off values, a variant classified as benign is not then subjected to further curation. The score for this variant resulted in a classification of benign for this disease.

NM_000342.4(SLC4A1):c.349+15C>G

Gene: SLC4A1 (solute carrier family 4 member 1 (Diego blood group); minus strand). Cytogenetic location: 17q21.31.
Variant type: single nucleotide variant.
Coding change: c.349+15C>G on transcript NM_000342.4 (MANE Select); 15 bases into the intron after coding-DNA position 349, C replaced by G.
Molecular consequence: intron variant.
Genome position (GRCh38, 1-based): chr17:44,260,620, G>C on the plus strand (C>G on the coding strand, the complement: SLC4A1 is on the minus strand). VCF-style: chr17-44260620-G-C. GRCh37 (hg19) VCF-style: chr17-42337988-G-C.
Identifiers: ClinVar variation 888574 (VCV000888574.10), dbSNP rs541501285, ClinGen allele CA8600636.